The following is an entry in ClinVar:

ClinVar aggregate classification (germline): Uncertain significance. Review status: criteria provided, multiple submitters, no conflicts (2 of 4 stars). 2 submissions from 2 submitters: Uncertain significance (2). Last evaluated 2022-07-12.

Conditions:
Hereditary spastic paraplegia 73. Also called: Spastic paraplegia 73, autosomal dominant. Identifiers: Orphanet 444099, MedGen C5568981, MONDO:0014568, OMIM 616282.

Allele frequency attached by ClinVar (database versions not stated): gnomAD exomes below 0.00001; TOPMed below 0.00001; gnomAD 0.00001 and 0.00003.
gnomAD v4.1: 7 of 1,529,974 alleles (0.00046%); highest among the groups gnomAD compares: Admixed American, 0.006%; no homozygotes.

Submissions (2):

Labcorp Genetics (formerly Invitae), Labcorp
Classification: Uncertain significance for Hereditary spastic paraplegia 73. Last evaluated: 2022-07-12. Review status: criteria provided, single submitter. Criteria: Invitae Variant Classification Sherloc (09022015). Collection method: clinical testing. Allele origin: germline.
Comment: ClinVar contains an entry for this variant (Variation ID: 1488255). Algorithms developed to predict the effect of missense changes on protein structure and function are either unavailable or do not agree on the potential impact of this missense change (SIFT: "Deleterious"; PolyPhen-2: "Probably Damaging"; Align-GVGD: "Class C0"). In summary, the available evidence is currently insufficient to determine the role of this variant in disease. Therefore, it has been classified as a Variant of Uncertain Significance. This variant has not been reported in the literature in individuals affected with CPT1C-related conditions. This variant is present in population databases (rs772819135, gnomAD 0.009%). This sequence change replaces glycine, which is neutral and non-polar, with valine, which is neutral and non-polar, at codon 699 of the CPT1C protein (p.Gly699Val).

Ambry Genetics
Classification: Uncertain significance. Last evaluated: 2022-06-24. Review status: criteria provided, single submitter. Criteria: Ambry Variant Classification Scheme 2023. Collection method: clinical testing. Allele origin: germline.

NM_001199753.2(CPT1C):c.2129G>T (p.Gly710Val)

Gene: CPT1C (carnitine palmitoyltransferase 1C; plus strand). Cytogenetic location: 19q13.33.
Variant type: single nucleotide variant.
Coding change: c.2129G>T on transcript NM_001199753.2 (MANE Select); coding-DNA position 2129, G replaced by T.
Protein change: p.Gly710Val; replaces glycine 710 with valine.
Molecular consequence: missense variant. On other transcripts: non-coding transcript variant (1).
Genome position (GRCh38, 1-based): chr19:49,712,845, G>T. VCF-style: chr19-49712845-G-T. GRCh37 (hg19) VCF-style: chr19-50216102-G-T.
Other names: c.2096G>T, p.Gly699Val (NM_001136052.3, NM_001378485.1); c.2129G>T, p.Gly710Val (NM_001199752.3, NM_001378483.1, NM_001378484.1 and 1 more transcripts); c.2195G>T, p.Gly732Val (NM_001378482.1); c.1994G>T, p.Gly665Val (NM_001378486.1, NM_001378488.1); c.1961G>T, p.Gly654Val (NM_001378487.1); c.2129G>T (NM_001199752.1); short protein forms G654V, G732V, G665V, G699V, G710V.
Identifiers: ClinVar variation 1488255 (VCV001488255.9), dbSNP rs772819135, ClinGen allele CA9582416.